The following is an entry in ClinVar:

ClinVar aggregate classification (germline): Benign/Likely benign. Review status: criteria provided, multiple submitters, no conflicts (2 of 4 stars). 7 submissions from 7 submitters: Benign (1); Likely benign (4). 2 of the submissions do not count toward it. Last evaluated 2025-05-16.

Conditions:
Hereditary cancer-predisposing syndrome. Also called: Hereditary Cancer Syndrome; Hereditary neoplastic syndrome; Tumor predisposition; Neoplastic Syndromes, Hereditary. Identifiers: Orphanet 140162, MedGen C0027672, MeSH D009386, MONDO:0015356.
Familial cancer of breast. Also called: BREAST CANCER, FAMILIAL; hereditary breast carcinoma; Hereditary breast cancer. Identifiers: Orphanet 227535, MedGen C0346153, MONDO:0016419, OMIM 114480. Disease mechanism: loss of function.
Malignant tumor of breast. Also called: Malignant breast neoplasm; Cancer breast. Identifiers: MedGen C0006142, MONDO:0007254. Disease mechanism: loss of function.

Allele frequency attached by ClinVar (database versions not stated): gnomAD 0.00001; TOPMed 0.00001.
gnomAD v4.1: 18 of 1,613,774 alleles (0.0011%); highest among the groups gnomAD compares: East Asian, 0.025%; no homozygotes.

Submissions (7):

Women's Health and Genetics/Laboratory Corporation of America, LabCorp
Classification: Likely benign. Last evaluated: 2025-05-16. Review status: criteria provided, single submitter. Criteria: LabCorp Variant Classification Summary - May 2015. Collection method: clinical testing. Allele origin: germline.

Labcorp Genetics (formerly Invitae), Labcorp
Classification: Likely benign for Familial cancer of breast. Last evaluated: 2025-03-24. Review status: criteria provided, single submitter. Criteria: Invitae Variant Classification Sherloc (09022015). Collection method: clinical testing. Allele origin: germline.

Myriad Genetics, Inc.
Classification: Benign for Familial cancer of breast. Last evaluated: 2025-01-21. Review status: criteria provided, single submitter. Criteria: Myriad Autosomal Dominant, Autosomal Recessive and X-Linked Classification Criteria (2023). Collection method: clinical testing. Allele origin: unknown.
Comment: This variant is considered benign. This variant is a silent/synonymous amino acid change and it is not expected to impact splicing.

Color Diagnostics, LLC DBA Color Health
Classification: Likely benign for Hereditary cancer-predisposing syndrome. Last evaluated: 2017-05-01. Review status: criteria provided, single submitter. Criteria: ACMG Guidelines, 2015. Collection method: clinical testing. Allele origin: germline.

Ambry Genetics
Classification: Likely benign for Hereditary cancer-predisposing syndrome. Last evaluated: 2016-12-14. Review status: criteria provided, single submitter. Criteria: Ambry Variant Classification Scheme 2023. Collection method: clinical testing. Allele origin: germline.

Leiden Open Variation Database
Classification: Likely benign for Familial cancer of breast. Last evaluated: 2019-05-13. Review status: no assertion criteria provided. Collection method: curation. Allele origin: germline. Affected: no. Not counted in ClinVar's aggregate classification.
Comment: Curators: Marc Tischkowitz, Arleen D. Auerbach. Submitters to LOVD: Marc Tischkowitz, Yukihide Momozawa.

Department of Pathology and Laboratory Medicine, Sinai Health System
Classification: Likely benign for Malignant tumor of breast. Review status: no assertion criteria provided. Collection method: clinical testing. Allele origin: unknown. Affected: yes. Study: The Canadian Open Genetics Repository (COGR). Not counted in ClinVar's aggregate classification.
Comment: The PALB2 p.Pro1008= variant was identified in 9 of 14234 proband chromosomes (frequency: 0.0006) from Italian families and Japanese women with breast cancer and was present in 15 of 11391 control chromosomes (frequency: 001) from healthy individuals (Papi 2010, Momozawa 2018). The variant was also identified in dbSNP (ID: rs180177130) as â€šÃ„ÃºWith Likely benign alleleâ€šÃ„Ã¹, ClinVar (4x as likely benign by Invitae, Ambry Genetics, Color, PALB2 database), LOVD 3.0 (4x as benign). The variant was identified in control databases in 1 of 246232 chromosomes at a frequency of 0.000004 (Genome Aggregation Database Feb 27, 2017). The variant was observed in the following populations: East Asian in 1 of 17248 chromosomes (freq: 0.00006), while the variant was not observed in the African, Other, Latino, European Non-Finnish, Ashkenazi Jewish, European Finnish or South Asian populations. The p.Pro1008= variant is not expected to have clinical significance because it does not result in a change of amino acid and is not located in a known consensus splice site. In addition, in silico or computational prediction software programs (SpliceSiteFinder, MaxEntScan, NNSPLICE, GeneSplicer) do not predict a difference in splicing. In summary, based on the above information the clinical significance of this variant cannot be determined with certainty at this time although we would lean towards a more benign role for this variant. This variant is classified as likely benign.

Literature cited by the submitters: PubMed 19763884 (cited by Leiden Open Variation Database); PubMed 30287823 (cited by Leiden Open Variation Database).

NM_024675.4(PALB2):c.3024C>T (p.Pro1008=)

Gene: PALB2 (partner and localizer of BRCA2; minus strand). Cytogenetic location: 16p12.2.
Variant type: single nucleotide variant.
Coding change: c.3024C>T on transcript NM_024675.4 (MANE Select); coding-DNA position 3024, C replaced by T.
Protein change: p.Pro1008=; no amino-acid change (proline 1008 retained).
Molecular consequence: synonymous variant.
Genome position (GRCh38, 1-based): chr16:23,621,451, G>A on the plus strand (C>T on the coding strand, the complement: PALB2 is on the minus strand). VCF-style: chr16-23621451-G-A. GRCh37 (hg19) VCF-style: chr16-23632772-G-A.
Identifiers: ClinVar variation 126705 (VCV000126705.22), dbSNP rs180177130, ClinGen allele CA269594.